The following is an entry in ClinVar:

ClinVar aggregate classification (germline): Likely pathogenic (1 of 4 stars; one submission).

Conditions:
Dilated cardiomyopathy 1G (CMD1G). Identifiers: Orphanet 154, MedGen C1858763, MONDO:0011400, OMIM 604145.
Autosomal recessive limb-girdle muscular dystrophy type 2J (LGMDR10). Also called: Limb-girdle muscular dystrophy, type 2J; MUSCULAR DYSTROPHY, LIMB-GIRDLE, AUTOSOMAL RECESSIVE 10. Identifiers: Orphanet 140922, MedGen C1837342, MONDO:0012127, OMIM 608807.

Submission:

Labcorp Genetics (formerly Invitae), Labcorp
Classification: Likely pathogenic for Dilated cardiomyopathy 1G; Autosomal recessive limb-girdle muscular dystrophy type 2J. Last evaluated: 2025-03-17. Review status: criteria provided, single submitter. Criteria: Invitae Variant Classification Sherloc (09022015). Collection method: clinical testing. Allele origin: germline.
Comment: This sequence change creates a premature translational stop signal (p.His3289Metfs*10) in the TTN gene. While this is not anticipated to result in nonsense mediated decay, it is expected to create a truncated TTN protein. This variant is not present in population databases (gnomAD no frequency). This variant has not been reported in the literature in individuals affected with TTN-related conditions. This variant is located in the I band of TTN (PMID: 25589632). Truncating variants in this region have been reported in individuals affected with autosomal recessive centronuclear myopathy (PMID: 23975875, internal data). Truncating variants in this region have also been identified in individuals affected with autosomal dominant dilated cardiomyopathy and/or cardio-related conditions (PMID: 27869827, 32964742, internal data). In summary, the currently available evidence indicates that the variant is pathogenic, but additional data are needed to prove that conclusively. Therefore, this variant has been classified as Likely Pathogenic.

Literature cited by the submitters: PubMed 25589632; PubMed 23975875; PubMed 27869827; PubMed 32964742.

NM_001267550.2(TTN):c.9864del (p.His3289fs)

Gene: TTN (titin; minus strand). Cytogenetic location: 2q31.2.
Variant type: Deletion.
Coding change: c.9864del on transcript NM_001267550.2 (MANE Select); coding-DNA position 9864, one base deleted (T; older notation c.9864delT).
Protein change: p.His3289fs; shifts the reading frame from histidine 3289.
Molecular consequence: frameshift variant.
Genome position (GRCh38, 1-based): chr2:178,764,651, A deleted on the plus strand (T on the coding strand, the reverse complement: TTN is on the minus strand); the first of 2 consecutive A bases (chr2:178,764,651-178,764,652); deleting either gives the same sequence. VCF-style (leftmost placement, unchanged base first): chr2-178764650-GA-G. GRCh37 (hg19) VCF-style: chr2-179629377-GA-G.
Other names: c.9864del, p.His3289fs (NM_001256850.1, NM_133378.4, NM_133379.5); c.9726del, p.His3243fs (NM_003319.4, NM_133432.3, NM_133437.4); short protein forms H3243fs, H3289fs.
Identifiers: ClinVar variation 4784414 (VCV004784414.1).